The following is an entry in ClinVar:

ClinVar aggregate classification (germline): Uncertain significance (1 of 4 stars; one submission).

Submission:

Labcorp Genetics (formerly Invitae), Labcorp
Classification: Uncertain significance. Last evaluated: 2025-12-10. Review status: criteria provided, single submitter. Criteria: Invitae Variant Classification Sherloc (09022015). Collection method: clinical testing. Allele origin: germline.
Comment: This sequence change falls in intron 6 of the CFH gene. It does not directly change the encoded amino acid sequence of the CFH protein. It affects a nucleotide within the consensus splice site. This variant is not present in population databases (gnomAD no frequency). This variant has not been reported in the literature in individuals affected with CFH-related conditions. Variants that disrupt the consensus splice site are a relatively common cause of aberrant splicing (PMID: 17576681, 9536098). Algorithms developed to predict the effect of sequence changes on RNA splicing suggest that this variant is not likely to affect RNA splicing. In summary, the available evidence is currently insufficient to determine the role of this variant in disease. Therefore, it has been classified as a Variant of Uncertain Significance.

Literature cited by the submitters: PubMed 17576681; PubMed 9536098.

NM_000186.4(CFH):c.790+4A>G

Gene: CFH (complement factor H; plus strand). Cytogenetic location: 1q31.3.
Variant type: single nucleotide variant.
Coding change: c.790+4A>G on transcript NM_000186.4 (MANE Select); 4 bases into the intron after coding-DNA position 790, A replaced by G.
Molecular consequence: intron variant.
Genome position (GRCh38, 1-based): chr1:196,679,797, A>G. VCF-style: chr1-196679797-A-G. GRCh37 (hg19) VCF-style: chr1-196648927-A-G.
Other names: c.790+4A>G (NM_001014975.3).
Identifiers: ClinVar variation 4771664 (VCV004771664.1).
Genomic context (GRCh38, chr1:196,679,797, plus strand): 5'-AAAGAGGAGATGCTGTATGCACTGAATCTGGATGGCGTCCGTTGCCTTCATGTGAAGGTA[A>G]TGTTACCTTTATTTTCTGGATCTTTATAAATTTATCACATATTTTAATTAATTCTTTTAA-3'